The following is an entry in ClinVar:

ClinVar aggregate classification (germline): Uncertain significance (1 of 4 stars; one submission).

Conditions:
Inborn genetic diseases. Identifiers: MedGen C0950123, MeSH D030342.

Submission:

Ambry Genetics
Classification: Uncertain significance for Inborn genetic diseases. Last evaluated: 2025-03-18. Review status: criteria provided, single submitter. Criteria: Ambry Variant Classification Scheme 2023. Collection method: clinical testing. Allele origin: germline.
Comment: The p.C390Y variant (also known as c.1169G>A), located in coding exon 7 of the ERCC6L2 gene, results from a G to A substitution at nucleotide position 1169. The cysteine at codon 390 is replaced by tyrosine, an amino acid with highly dissimilar properties. This amino acid position is conserved. In addition, this alteration is predicted to be deleterious by in silico analysis. Based on the available evidence, the clinical significance of this variant remains unclear.

NM_020207.7(ERCC6L2):c.1169G>A (p.Cys390Tyr)

Gene: ERCC6L2 (ERCC excision repair 6 like 2; plus strand). Cytogenetic location: 9q22.32.
Variant type: single nucleotide variant.
Coding change: c.1169G>A on transcript NM_020207.7 (MANE Select); coding-DNA position 1169, G replaced by A.
Protein change: p.Cys390Tyr; replaces cysteine 390 with tyrosine.
Molecular consequence: missense variant. On other transcripts: non-coding transcript variant (1).
Genome position (GRCh38, 1-based): chr9:95,921,185, G>A. VCF-style: chr9-95921185-G-A. GRCh37 (hg19) VCF-style: chr9-98683467-G-A.
Other names: c.1169G>A, p.Cys390Tyr (NM_001010895.4, NM_001375291.1, NM_001375292.1 and 2 more transcripts); short protein forms C390Y.
Identifiers: ClinVar variation 4019250 (VCV004019250.1).